The following is an entry in ClinVar:

NM_001369.3(DNAH5):c.4613C>T (p.Ala1538Val)

Genes: DNAH5 (dynein axonemal heavy chain 5; minus strand), DNAH5-AS1 (DNAH5 antisense RNA 1; plus strand). Cytogenetic location: 5p15.2.
Variant type: single nucleotide variant.
Coding change: c.4613C>T on transcript NM_001369.3 (MANE Select); coding-DNA position 4613, C replaced by T.
Protein change: p.Ala1538Val; replaces alanine 1538 with valine.
Molecular consequence: missense variant.
Genome position (GRCh38, 1-based): chr5:13,862,731, G>A on the plus strand (C>T on the coding strand, the complement: DNAH5 is on the minus strand). VCF-style: chr5-13862731-G-A. GRCh37 (hg19) VCF-style: chr5-13862840-G-A.
Other names: short protein forms A1538V.
Identifiers: ClinVar variation 655945 (VCV000655945.16), dbSNP rs201165908, ClinGen allele CA3203920.

ClinVar aggregate classification (germline): Uncertain significance. Review status: criteria provided, single submitter (1 of 4 stars). 2 submissions from 2 submitters: Uncertain significance (1). 1 of the submissions does not count toward it. Last evaluated 2021-08-31.

Conditions:
Primary ciliary dyskinesia. Also called: Ciliary dyskinesia. Identifiers: Orphanet 244, MedGen C0008780, MONDO:0016575, HP:0012265.

Allele frequency attached by ClinVar (database versions not stated): TOPMed below 0.00001; ExAC 0.00001; gnomAD 0.00001; gnomAD exomes 0.00002 and 0.00003; 1000 Genomes Project 30x 0.00016; 1000 Genomes Project 0.00020.
gnomAD v4.1: 44 of 1,613,082 alleles (0.0027%); highest among the groups gnomAD compares: Admixed American, 0.0033%; no homozygotes.

Submissions (2):

Labcorp Genetics (formerly Invitae), Labcorp
Classification: Uncertain significance for Primary ciliary dyskinesia. Last evaluated: 2021-08-31. Review status: criteria provided, single submitter. Criteria: Invitae Variant Classification Sherloc (09022015). Collection method: clinical testing. Allele origin: germline.
Comment: This sequence change replaces alanine with valine at codon 1538 of the DNAH5 protein (p.Ala1538Val). The alanine residue is highly conserved and there is a small physicochemical difference between alanine and valine. This variant is present in population databases (rs201165908, ExAC 0.001%). This variant has not been reported in the literature in individuals affected with DNAH5-related conditions. Algorithms developed to predict the effect of missense changes on protein structure and function are either unavailable or do not agree on the potential impact of this missense change (SIFT: "Deleterious"; PolyPhen-2: "Possibly Damaging"; Align-GVGD: "Class C0"). In summary, the available evidence is currently insufficient to determine the role of this variant in disease. Therefore, it has been classified as a Variant of Uncertain Significance.

Natera, Inc.
Classification: Uncertain significance for Primary ciliary dyskinesia. Last evaluated: 2020-02-21. Review status: no assertion criteria provided. Collection method: clinical testing. Allele origin: germline. Not counted in ClinVar's aggregate classification.